The following is an entry in ClinVar:

NM_002617.4(PEX10):c.290C>T (p.Thr97Ile)

Gene: PEX10 (peroxisomal biogenesis factor 10; minus strand). Cytogenetic location: 1p36.32.
Variant type: single nucleotide variant.
Coding change: c.290C>T on transcript NM_002617.4 (MANE Select); coding-DNA position 290, C replaced by T.
Protein change: p.Thr97Ile; replaces threonine 97 with isoleucine.
Molecular consequence: missense variant. On other transcripts: 5 prime UTR variant (2), non-coding transcript variant (1).
Genome position (GRCh38, 1-based): chr1:2,408,762, G>A on the plus strand (C>T on the coding strand, the complement: PEX10 is on the minus strand). VCF-style: chr1-2408762-G-A. GRCh37 (hg19) VCF-style: chr1-2340201-G-A.
Other names: c.290C>T, p.Thr97Ile (NM_001374425.1, NM_153818.2); c.-143C>T (NM_001374426.1, NM_001374427.1); short protein forms T97I.
Identifiers: ClinVar variation 1033176 (VCV001033176.2), dbSNP rs750947589, ClinGen allele CA538224.
Genomic context (GRCh38, chr1:2,408,762, plus strand): 5'-AGCTCCTGCTCCAGGGGGAGCAGGGCCTTGTCCAGCAGGTAGGGCAGGACGGCATGCAGT[G>A]TCACCAGCACGCCACGGCGCAGCGAGGAGGGCACATGTATCCGCGATGGGTCCACCTGGA-3'
Protein context (NP_002608.1, residues 87-107): PSSLRRGVLV[Thr97Ile]LHAVLPYLLD

ClinVar aggregate classification (germline): Uncertain significance. Review status: criteria provided, multiple submitters, no conflicts (2 of 4 stars). 2 submissions from 2 submitters: Uncertain significance (2). Last evaluated 2025-08-22.

Conditions:
Inborn genetic diseases. Identifiers: MedGen C0950123, MeSH D030342.
Peroxisome biogenesis disorder 6A (Zellweger). Also called: Peroxisome biogenesis disorder 6A. Identifiers: Orphanet 912, MedGen C3553947, MONDO:0013936, OMIM 614870.

Allele frequency attached by ClinVar (database versions not stated): ExAC 0.00001; gnomAD 0.00001; gnomAD exomes 0.00001; TOPMed 0.00001.

Submissions (2):

Ambry Genetics
Classification: Uncertain significance for Inborn genetic diseases. Last evaluated: 2025-08-22. Review status: criteria provided, single submitter. Criteria: Ambry Variant Classification Scheme 2023. Collection method: clinical testing. Allele origin: germline.

Baylor Genetics
Classification: Uncertain significance for Peroxisome biogenesis disorder 6A (Zellweger). Last evaluated: 2018-11-28. Review status: criteria provided, single submitter. Criteria: ACMG Guidelines, 2015. Collection method: clinical testing. Allele origin: unknown. Affected: yes.
Comment: This variant was determined to be of uncertain significance according to ACMG Guidelines, 2015 [PMID:25741868].